The following is an entry in ClinVar:

NM_000540.3(RYR1):c.7879G>C (p.Val2627Leu)

Gene: RYR1 (ryanodine receptor 1; plus strand). Cytogenetic location: 19q13.2.
Variant type: single nucleotide variant.
Coding change: c.7879G>C on transcript NM_000540.3 (MANE Select); coding-DNA position 7879, G replaced by C.
Protein change: p.Val2627Leu; replaces valine 2627 with leucine.
Molecular consequence: missense variant.
Genome position (GRCh38, 1-based): chr19:38,502,923, G>C. VCF-style: chr19-38502923-G-C. GRCh37 (hg19) VCF-style: chr19-38993563-G-C.
Other names: NM_000540.3(RYR1):c.7879G>C; p.(Val2627Leu); NM_001042723.2:c.7879G>C; c.7879G>C (NM_000540.2); c.7879G>C, p.Val2627Leu (NM_001042723.2); short protein forms V2627L.
Identifiers: ClinVar variation 1330358 (VCV001330358.13), dbSNP rs914804033, ClinGen allele CA308113474.

ClinVar aggregate classification (germline): Pathogenic. Review status: reviewed by expert panel (3 of 4 stars). 5 submissions from 5 submitters: Pathogenic (1). 4 of the submissions do not count toward it. Last evaluated 2026-04-10.

Conditions:
RYR1-related disorder. Also called: RYR1-related condition; RYR1-related disorders. Identifiers: MedGen CN239331.
Malignant hyperthermia of anesthesia. Also called: Anesthesic-triggered malignant hyperthermia. Identifiers: Orphanet 423, MedGen C0024591, MONDO:0018493, HP:0034733.

Allele frequency attached by ClinVar (database versions not stated): TOPMed below 0.00001; gnomAD 0.00001.
gnomAD v4.1: 5 of 1,611,580 alleles (0.00031%); highest among the groups gnomAD compares: Non-Finnish European, 0.00034%; no homozygotes.

Submissions (5):

ClinGen Malignant Hyperthermia Susceptibility Variant Curation Expert Panel, ClinGen
Classification: Pathogenic for Malignant hyperthermia of anesthesia. Last evaluated: 2026-04-10. Review status: reviewed by expert panel. Criteria: ClinGen MHS ACMG Specifications V2. Collection method: curation. Allele origin: germline. Inheritance: Autosomal dominant inheritance.
Comment: This pathogenicity assessment is relevant only for malignant hyperthermia susceptibility (MHS) inherited in an autosomal dominant pattern. Variants in RYR1 can also cause other myopathies inherited in an autosomal dominant pattern or in an autosomal recessive pattern. Some of these disorders may predispose individuals to malignant hyperthermia. RYR1 variants may also contribute to a malignant hyperthermia reaction in combination with other genetic and non-genetic factors and the clinician needs to consider such factors in making management decisions. This sequence variant predicts a substitution of valine with 2627 at codon leucine of the RYR1 protein, p.(Val2627Leu). The maximum allele frequency for this variant among the six major gnomAD populations is NFE: 0.000003 (gnomAD v4.1.0), a frequency consistent with pathogenicity for MHS. This variant has been identified in three unrelated individuals who had a personal or family history of a malignant hyperthermia reaction, all of these individuals had a positive in vitro contracture test (IVCT) or caffeine halothane contracture test (CHCT) result (if the proband was unavailable for testing, a positive diagnostic test result in a variant-positive relative was counted), PS4_Moderate (The UK (Leeds) MH Unit). This variant segregated with MHS in seven individuals, PP1_Strong (The UK (Leeds) MH Unit). Functional studies in HEK293 cells showed an increased sensitivity to RYR1 agonists, PS3_Moderate (PMID:41339169). This variant does not reside in a hotspot for pathogenic variants that contribute to MHS. A REVEL score >0.85 (0.894) supports a pathogenic, PP3_Moderate. This variant has been classified as Pathogenic. Criteria implemented: PS3_Moderate, PS4_Moderate, PP1_Strong, PP3_Moderate.

GeneDx
Classification: Pathogenic. Last evaluated: 2026-01-09. Review status: criteria provided, single submitter. Criteria: GeneDx Variant Classification Process June 2021. Collection method: clinical testing. Allele origin: germline. Not counted in ClinVar's aggregate classification.
Comment: Observed in multiple unrelated patients with malignant hyperthermia in published literature and reported by the MHS Variant Expert Curation Panel (VCEP) in ClinVar, and not observed at a significant frequency in controls (PMID: 16835904, 41339169); ClinVar Accession: SCV002047622.2); Published functional studies demonstrate a damaging effect as p.(V627L) is hypersensitive to calcium release agnonists (PMID: 41339169); Not observed at significant frequency in large population cohorts (gnomAD); In silico analysis supports that this missense variant has a deleterious effect on protein structure/function; This variant is associated with the following publications: (PMID: 16835904, 36874254, 41360272, 41339169)

Labcorp Genetics (formerly Invitae), Labcorp
Classification: Likely pathogenic for RYR1-related disorder. Last evaluated: 2023-10-06. Review status: criteria provided, single submitter. Criteria: Invitae Variant Classification Sherloc (09022015). Collection method: clinical testing. Allele origin: germline. Not counted in ClinVar's aggregate classification.
Comment: This sequence change replaces valine, which is neutral and non-polar, with leucine, which is neutral and non-polar, at codon 2627 of the RYR1 protein (p.Val2627Leu). This variant is present in population databases (no rsID available, gnomAD 0.007%). This missense change has been observed in individual(s) with autosomal dominant malignant hyperthermia (PMID: 16835904). ClinVar contains an entry for this variant (Variation ID: 1330358). Advanced modeling of protein sequence and biophysical properties (such as structural, functional, and spatial information, amino acid conservation, physicochemical variation, residue mobility, and thermodynamic stability) performed at Invitae indicates that this missense variant is expected to disrupt RYR1 protein function. This variant disrupts the p.Val2627 amino acid residue in RYR1. Other variant(s) that disrupt this residue have been determined to be pathogenic (PMID: 18193641, 24013571, 30236257). This suggests that this residue is clinically significant, and that variants that disrupt this residue are likely to be disease-causing. In summary, the currently available evidence indicates that the variant is pathogenic, but additional data are needed to prove that conclusively. Therefore, this variant has been classified as Likely Pathogenic.

Blueprint Genetics
Classification: Uncertain significance. Last evaluated: 2023-07-24. Review status: criteria provided, single submitter. Criteria: ACMG Guidelines, 2015. Collection method: clinical testing. Allele origin: germline. Not counted in ClinVar's aggregate classification.

Revvity Omics, Revvity
Classification: Likely pathogenic. Last evaluated: 2022-09-08. Review status: criteria provided, single submitter. Criteria: ACMG Guidelines, 2015. Collection method: clinical testing. Allele origin: germline. Not counted in ClinVar's aggregate classification.

Literature cited by the submitters: PubMed 16835904 (cited by Labcorp Genetics (formerly Invitae), Labcorp); PubMed 18193641 (cited by Labcorp Genetics (formerly Invitae), Labcorp); PubMed 24013571 (cited by Labcorp Genetics (formerly Invitae), Labcorp); PubMed 30236257 (cited by Labcorp Genetics (formerly Invitae), Labcorp).